The following is an entry in ClinVar:

NM_025114.4(CEP290):c.7358_7359delinsAG (p.Gly2453Glu)

Genes: CEP290 (centrosomal protein 290; minus strand), RLIG1 (RNA 5'-phosphate and 3'-OH ligase 1; plus strand). Cytogenetic location: 12q21.32.
Variant type: Indel.
Coding change: c.7358_7359delinsAG on transcript NM_025114.4 (MANE Select); coding-DNA positions 7358 to 7359, GA replaced by AG.
Protein change: p.Gly2453Glu; replaces glycine 2453 with glutamic acid.
Molecular consequence: missense variant. On other transcripts: 3 prime UTR variant (1).
Genome position (GRCh38, 1-based): chr12:88,049,265-88,049,266, TC replaced by CT on the plus strand (GA replaced by AG on the coding strand, the reverse complement: CEP290 is on the minus strand). VCF-style: chr12-88049265-TC-CT. GRCh37 (hg19) VCF-style: chr12-88443042-TC-CT.
Other names: c.*843_*844delinsCT (NM_001009894.3); c.7358_7359delinsAG (NM_025114.3); short protein forms G2453E.
Identifiers: ClinVar variation 2070763 (VCV002070763.2), dbSNP rs2499338004, ClinGen allele CA2580086698.

ClinVar aggregate classification (germline): Uncertain significance. Review status: criteria provided, single submitter (1 of 4 stars). 2 submissions from 2 submitters: Uncertain significance (1). 1 of the submissions does not count toward it. Last evaluated 2022-09-13.

Conditions:
Joubert syndrome. Also called: CEREBELLOPARENCHYMAL DISORDER IV; JOUBERT-BOLTSHAUSER SYNDROME; Familial aplasia of the vermis. Identifiers: Orphanet 475, MedGen C5979921, MONDO:0018772.
Nephronophthisis. Also called: Juvenile Nephronophthisis. Identifiers: Orphanet 655, MedGen C0687120, MONDO:0019005, HP:0000090.
Meckel-Gruber syndrome. Also called: DYSENCEPHALIA SPLANCHNOCYSTICA; GRUBER SYNDROME; Dysencephalia splachnocystica. Identifiers: Orphanet 564, MedGen C0265215, MONDO:0018921.
CEP290-related disorder. Also called: CEP290-related condition; CEP290-related disorders. Identifiers: MedGen CN239314.

Submissions (2):

Labcorp Genetics (formerly Invitae), Labcorp
Classification: Uncertain significance for Joubert syndrome; Meckel-Gruber syndrome; Nephronophthisis. Last evaluated: 2022-09-13. Review status: criteria provided, single submitter. Criteria: Invitae Variant Classification Sherloc (09022015). Collection method: clinical testing. Allele origin: germline.
Comment: This sequence change replaces glycine, which is neutral and non-polar, with glutamic acid, which is acidic and polar, at codon 2453 of the CEP290 protein (p.Gly2453Glu). Information on the frequency of this variant in the gnomAD database is not available, as this variant may be reported differently in the database. This variant has not been reported in the literature in individuals affected with CEP290-related conditions. Algorithms developed to predict the effect of missense changes on protein structure and function are either unavailable or do not agree on the potential impact of this missense change (SIFT: "Not Available"; PolyPhen-2: "Benign"; Align-GVGD: "Not Available"). In summary, the available evidence is currently insufficient to determine the role of this variant in disease. Therefore, it has been classified as a Variant of Uncertain Significance.

PreventionGenetics, part of Exact Sciences
Classification: Uncertain significance for CEP290-related condition. Last evaluated: 2024-03-04. Review status: no assertion criteria provided. Collection method: clinical testing. Allele origin: germline. Not counted in ClinVar's aggregate classification.
Comment: The CEP290 c.7358_7359delinsAG variant is predicted to result in an in-frame deletion and insertion. To our knowledge, this variant has not been reported in the literature or in a large population database, indicating this variant is rare. At this time, the clinical significance of this variant is uncertain due to the absence of conclusive functional and genetic evidence.